The following is an entry in ClinVar:

NM_007327.4(GRIN1):c.525_526delinsAA (p.Ala176Thr)

Gene: GRIN1 (glutamate ionotropic receptor NMDA type subunit 1; plus strand). Cytogenetic location: 9q34.3.
Variant type: Indel.
Coding change: c.525_526delinsAA on transcript NM_007327.4 (MANE Select); coding-DNA positions 525 to 526, GG replaced by AA.
Protein change: p.Ala176Thr; replaces alanine 176 with threonine.
Molecular consequence: missense variant.
Genome position (GRCh38, 1-based): chr9:137,145,857-137,145,858, GG replaced by AA. VCF-style: chr9-137145857-GG-AA. GRCh37 (hg19) VCF-style: chr9-140040309-GG-AA.
Other names: c.525_526delinsAA, p.Ala176Thr (NM_001185091.2, NM_021569.4, NM_000832.7 and 1 more transcripts); short protein forms A176T.
Identifiers: ClinVar variation 2735962 (VCV002735962.3), dbSNP rs2538533663, ClinGen allele CA2697558205.

ClinVar aggregate classification (germline): Uncertain significance (1 of 4 stars; one submission).

Conditions:
Neurodevelopmental disorder with or without hyperkinetic movements and seizures, autosomal dominant. Also called: Intellectual disability, autosomal dominant 8. Identifiers: MedGen C3280282, MONDO:0013655, OMIM 614254.

Submission:

Labcorp Genetics (formerly Invitae), Labcorp
Classification: Uncertain significance for Neurodevelopmental disorder with or without hyperkinetic movements and seizures, autosomal dominant. Last evaluated: 2023-07-06. Review status: criteria provided, single submitter. Criteria: Invitae Variant Classification Sherloc (09022015). Collection method: clinical testing. Allele origin: germline.
Comment: This sequence change replaces alanine, which is neutral and non-polar, with threonine, which is neutral and polar, at codon 176 of the GRIN1 protein (p.Ala176Thr). Information on the frequency of this variant in the gnomAD database is not available, as this variant may be reported differently in the database. This variant has not been reported in the literature in individuals affected with GRIN1-related conditions. Experimental studies and prediction algorithms are not available or were not evaluated, and the functional significance of this variant is currently unknown. In summary, the available evidence is currently insufficient to determine the role of this variant in disease. Therefore, it has been classified as a Variant of Uncertain Significance.